The following is an entry in ClinVar:

NM_002470.4(MYH3):c.5344C>T (p.Arg1782Trp)

Gene: MYH3 (myosin heavy chain 3; minus strand). Cytogenetic location: 17p13.1.
Variant type: single nucleotide variant.
Coding change: c.5344C>T on transcript NM_002470.4 (MANE Select); coding-DNA position 5344, C replaced by T.
Protein change: p.Arg1782Trp; replaces arginine 1782 with tryptophan.
Molecular consequence: missense variant.
Genome position (GRCh38, 1-based): chr17:10,630,401, G>A on the plus strand (C>T on the coding strand, the complement: MYH3 is on the minus strand). VCF-style: chr17-10630401-G-A. GRCh37 (hg19) VCF-style: chr17-10533718-G-A.
Other names: c.5344C>T (NM_002470.3); short protein forms R1782W.
Identifiers: ClinVar variation 2078340 (VCV002078340.5), dbSNP rs375945785, ClinGen allele CA8391959.

ClinVar aggregate classification (germline): Uncertain significance. Review status: criteria provided, multiple submitters, no conflicts (2 of 4 stars). 2 submissions from 2 submitters: Uncertain significance (2). Last evaluated 2025-08-25.

Conditions:
Inborn genetic diseases. Identifiers: MedGen C0950123, MeSH D030342.

Allele frequency attached by ClinVar (database versions not stated): ExAC 0.00002; TOPMed 0.00003; gnomAD 0.00001; gnomAD exomes 0.00002; ESP Exome Variant Server 0.00008.
gnomAD v4.1: 31 of 1,613,972 alleles (0.0019%); highest among the groups gnomAD compares: Non-Finnish European, 0.0024%; no homozygotes.

Submissions (2):

Ambry Genetics
Classification: Uncertain significance for Inborn genetic diseases. Last evaluated: 2025-08-25. Review status: criteria provided, single submitter. Criteria: Ambry Variant Classification Scheme 2023. Collection method: clinical testing. Allele origin: germline.

Labcorp Genetics (formerly Invitae), Labcorp
Classification: Uncertain significance. Last evaluated: 2024-10-30. Review status: criteria provided, single submitter. Criteria: Invitae Variant Classification Sherloc (09022015). Collection method: clinical testing. Allele origin: germline.
Comment: This sequence change replaces arginine, which is basic and polar, with tryptophan, which is neutral and slightly polar, at codon 1782 of the MYH3 protein (p.Arg1782Trp). This variant is present in population databases (rs375945785, gnomAD 0.004%). This variant has not been reported in the literature in individuals affected with MYH3-related conditions. ClinVar contains an entry for this variant (Variation ID: 2078340). Invitae Evidence Modeling of protein sequence and biophysical properties (such as structural, functional, and spatial information, amino acid conservation, physicochemical variation, residue mobility, and thermodynamic stability) indicates that this missense variant is not expected to disrupt MYH3 protein function with a negative predictive value of 95%. In summary, the available evidence is currently insufficient to determine the role of this variant in disease. Therefore, it has been classified as a Variant of Uncertain Significance.